The following is an entry in ClinVar:

NM_001282933.2(ZNF341):c.904C>T (p.Arg302Ter)

Gene: ZNF341 (zinc finger protein 341; plus strand). Cytogenetic location: 20q11.22.
Variant type: single nucleotide variant.
Coding change: c.904C>T on transcript NM_001282933.2 (MANE Select); coding-DNA position 904, C replaced by T.
Protein change: p.Arg302Ter; replaces arginine 302 with a stop codon.
Molecular consequence: nonsense. On other transcripts: non-coding transcript variant (1).
Genome position (GRCh38, 1-based): chr20:33,757,310, C>T. VCF-style: chr20-33757310-C-T. GRCh37 (hg19) VCF-style: chr20-32345116-C-T.
Other names: ZNF341, ARG302TER (rs746141726); c.634C>T, p.Arg212Ter (NM_001282935.2); c.904C>T, p.Arg302Ter (NM_032819.5); short protein forms R302*, R212*.
Identifiers: ClinVar variation 599410 (VCV000599410.7), dbSNP rs746141726, ClinGen allele CA9819302.

ClinVar aggregate classification (germline): Pathogenic. Review status: criteria provided, multiple submitters, no conflicts (2 of 4 stars). 3 submissions from 3 submitters: Pathogenic (2). 1 of the submissions does not count toward it. Last evaluated 2025-02-27.

Conditions:
Hyper-IgE recurrent infection syndrome 3, autosomal recessive. Also called: Autosomal recessive hyper-IgE syndrome due to ZNF341 deficiency; HYPER-IgE SYNDROME 3, AUTOSOMAL RECESSIVE, WITH RECURRENT INFECTIONS. Identifiers: Orphanet 641368, MedGen C4748969, MONDO:0032654, OMIM 618282.

Allele frequency attached by ClinVar (database versions not stated): gnomAD 0.00001; gnomAD exomes 0.00001; TOPMed 0.00001; ExAC 0.00002.
gnomAD v4.1: 14 of 1,585,950 alleles (0.00088%); highest among the groups gnomAD compares: African/African-American, 0.0014%; no homozygotes.

Submissions (3):

Labcorp Genetics (formerly Invitae), Labcorp
Classification: Pathogenic. Last evaluated: 2025-02-27. Review status: criteria provided, single submitter. Criteria: Invitae Variant Classification Sherloc (09022015). Collection method: clinical testing. Allele origin: germline.
Comment: This sequence change creates a premature translational stop signal (p.Arg302*) in the ZNF341 gene. It is expected to result in an absent or disrupted protein product. Loss-of-function variants in ZNF341 are known to be pathogenic (PMID: 29907690, 29907691). The frequency data for this variant in the population databases is considered unreliable, as metrics indicate poor data quality at this position in the gnomAD database. This premature translational stop signal has been observed in individual(s) with hyper-IgE syndrome (PMID: 29907690, 29907691). ClinVar contains an entry for this variant (Variation ID: 599410). For these reasons, this variant has been classified as Pathogenic.

SIB Swiss Institute of Bioinformatics
Classification: Pathogenic for Hyper-IgE recurrent infection syndrome 3, autosomal recessive. Last evaluated: 2019-05-29. Review status: criteria provided, single submitter. Criteria: ACMG Guidelines, 2015. Collection method: curation. Allele origin: unknown.
Comment: This variant is interpreted as a Pathogenic for Hyper-IgE recurrent infection syndrome 3, autosomal recessive. The following ACMG Tag(s) were applied: PM2; PS3; PP1-Strong; PM3-Strong.

OMIM
Classification: Pathogenic for HYPER-IgE SYNDROME 3, AUTOSOMAL RECESSIVE, WITH RECURRENT INFECTIONS. Last evaluated: 2023-10-05. Review status: no assertion criteria provided. Collection method: literature only. Allele origin: germline. Not counted in ClinVar's aggregate classification.

Literature cited by the submitters: PubMed 29907690 (cited by 3 submitters); PubMed 29907691 (cited by 3 submitters).